The following is an entry in ClinVar:

NM_000430.4(PAFAH1B1):c.830A>C (p.His277Pro)

Gene: PAFAH1B1 (platelet activating factor acetylhydrolase 1b regulatory subunit 1; plus strand). Cytogenetic location: 17p13.3.
Variant type: single nucleotide variant.
Coding change: c.830A>C on transcript NM_000430.4 (MANE Select); coding-DNA position 830, A replaced by C.
Protein change: p.His277Pro; replaces histidine 277 with proline.
Molecular consequence: missense variant.
Genome position (GRCh38, 1-based): chr17:2,674,218, A>C. VCF-style: chr17-2674218-A-C. GRCh37 (hg19) VCF-style: chr17-2577512-A-C.
Other names: c.830A>C (NM_000430.3); short protein forms H277P.
Identifiers: ClinVar variation 8082 (VCV000008082.3), dbSNP rs121434490, ClinGen allele CA254317.

ClinVar aggregate classification (germline): Pathogenic. Review status: criteria provided, single submitter (1 of 4 stars). 2 submissions from 2 submitters: Pathogenic (1). 1 of the submissions does not count toward it. Last evaluated 2025-03-25.

Conditions:
PAFAH1B1-related disorder. Also called: PAFAH1B1-related condition.
Lissencephaly due to LIS1 mutation (LIS1). Also called: Isolated Lissencephaly Sequence; PAFAH1B1-Related Lissencephaly/Subcortical Band Heterotopia; PAFAH1B1-Associated Lissencephaly/Subcortical Band Heterotopia. Identifiers: Orphanet 95232, MedGen C4749301, MONDO:0011830, OMIM 607432.

Submissions (2):

PreventionGenetics, part of Exact Sciences
Classification: Pathogenic for PAFAH1B1-related condition. Last evaluated: 2025-03-25. Review status: criteria provided, single submitter. Criteria: ACMG Guidelines, 2015. Collection method: clinical testing. Allele origin: germline.
Comment: The PAFAH1B1 c.830A>C variant is predicted to result in the amino acid substitution p.His277Pro. This variant was reported in individuals with lissencephaly and a de novo occurrence was noted in one case (variant referred to as 1385A-C in Torres et al. 2004. PubMed ID: 15007136; Zhang et al. 2020. PubMed ID: 33287870). This variant has not been reported in a large population database (gnomAD), indicating this variant is rare. This variant is interpreted as pathogenic.

OMIM
Classification: Pathogenic for LISSENCEPHALY 1. Last evaluated: 2004-03-09. Review status: no assertion criteria provided. Collection method: literature only. Allele origin: germline. Not counted in ClinVar's aggregate classification.

Literature cited by the submitters: PubMed 15007136 (cited by OMIM).